The following is an entry in ClinVar:

ClinVar aggregate classification (germline): Likely benign (0 of 4 stars; one submission).

Conditions:
MVD-related disorder. Also called: MVD-related condition.

Allele frequency attached by ClinVar (database versions not stated): ESP Exome Variant Server 0.00046.
gnomAD v4.1: 80 of 1,598,396 alleles (0.005%); highest among the groups gnomAD compares: African/African-American, 0.079%; no homozygotes.

Submission:

PreventionGenetics, part of Exact Sciences
Classification: Likely benign for MVD-related condition. Last evaluated: 2019-06-19. Review status: no assertion criteria provided. Collection method: clinical testing. Allele origin: germline.
Comment: This variant is classified as likely benign based on ACMG/AMP sequence variant interpretation guidelines (Richards et al. 2015 PMID: 25741868, with internal and published modifications).

NM_002461.3(MVD):c.1002G>A (p.Ser334=)

Gene: MVD (mevalonate diphosphate decarboxylase; minus strand). Cytogenetic location: 16q24.2.
Variant type: single nucleotide variant.
Coding change: c.1002G>A on transcript NM_002461.3 (MANE Select); coding-DNA position 1002, G replaced by A.
Protein change: p.Ser334=; no amino-acid change (serine 334 retained).
Molecular consequence: synonymous variant.
Genome position (GRCh38, 1-based): chr16:88,654,703, C>T on the plus strand (G>A on the coding strand, the complement: MVD is on the minus strand). VCF-style: chr16-88654703-C-T. GRCh37 (hg19) VCF-style: chr16-88721111-C-T.
Identifiers: ClinVar variation 3034091 (VCV003034091.2), dbSNP rs34657446, ClinGen allele CA8228665.
Genomic context (GRCh38, chr16:88,654,703, plus strand): 5'-TTCCTGGCACCATCTCCCAAAAAGGAGGAGGGGCGGGGTCCACACTCACGTGTCTCCATT[C>T]GAGCCTGGGGGAAAGCCGTGCCACACAGCAGCCACAAACTCAGCCACAGTGTCGTCCAGG-3'
Protein context (NP_002452.1, residues 324-344): AAVWHGFPPG[Ser334=]NGDTFLKGLQ